The following is an entry in ClinVar:

NM_000264.5(PTCH1):c.1742T>C (p.Val581Ala)

Genes: PTCH1 (patched 1; minus strand), LOC100507346 (uncharacterized LOC100507346; plus strand). Cytogenetic location: 9q22.32.
Variant type: single nucleotide variant.
Coding change: c.1742T>C on transcript NM_000264.5 (MANE Select); coding-DNA position 1742, T replaced by C.
Protein change: p.Val581Ala; replaces valine 581 with alanine.
Molecular consequence: missense variant. On other transcripts: non-coding transcript variant (2).
Genome position (GRCh38, 1-based): chr9:95,469,918, A>G on the plus strand (T>C on the coding strand, the complement: PTCH1 is on the minus strand). VCF-style: chr9-95469918-A-G. GRCh37 (hg19) VCF-style: chr9-98232200-A-G.
Other names: c.1544T>C, p.Val515Ala (NM_001083602.3); c.1739T>C, p.Val580Ala (NM_001083603.3); c.1289T>C, p.Val430Ala (NM_001083604.3, NM_001083605.3, NM_001083606.3 and 1 more transcripts); c.1586T>C, p.Val529Ala (NM_001354918.2); short protein forms V430A, V529A, V515A, V581A, V580A.
Identifiers: ClinVar variation 1046185 (VCV001046185.12), dbSNP rs777030659, ClinGen allele CA5138522.
Genomic context (GRCh38, chr9:95,469,918, plus strand): 5'-TATAAATCCATGCTGAGAATTGCAGGAAAAATGAGCAGAACCATGGCAAAATTGAACACC[A>G]CTACTACCGCTGCCTGGGAGCAGAAAAAAAATTCAGAGGTCACCAACATGCCTCCGCCCA-3'
Protein context (NP_000255.2, residues 571-591): RAFSLQAAVV[Val581Ala]VFNFAMVLLI

ClinVar aggregate classification (germline): Conflicting classifications of pathogenicity. Review status: criteria provided, conflicting classifications (1 of 4 stars). 2 submissions from 2 submitters: Uncertain significance (1); Likely benign (1). Last evaluated 2025-11-11.

Conditions:
Hereditary cancer-predisposing syndrome. Also called: Hereditary neoplastic syndrome; Neoplastic Syndromes, Hereditary; Tumor predisposition; Hereditary Cancer Syndrome. Identifiers: Orphanet 140162, MedGen C0027672, MeSH D009386, MONDO:0015356.
Gorlin syndrome. Also called: Nevoid Basal Cell Carcinoma Syndrome; Basal cell nevus syndrome. Identifiers: Orphanet 377, MedGen C0004779, MONDO:0007187.

Allele frequency attached by ClinVar (database versions not stated): gnomAD exomes below 0.00001; ExAC 0.00001.
gnomAD v4.1: 2 of 1,613,886 alleles (0.00012%); highest among the groups gnomAD compares: Non-Finnish European, 0.00017%; no homozygotes.

Submissions (2):

Labcorp Genetics (formerly Invitae), Labcorp
Classification: Likely benign for Gorlin syndrome. Last evaluated: 2025-11-11. Review status: criteria provided, single submitter. Criteria: Invitae Variant Classification Sherloc (09022015). Collection method: clinical testing. Allele origin: germline.

Ambry Genetics
Classification: Uncertain significance for Hereditary cancer-predisposing syndrome. Last evaluated: 2024-04-09. Review status: criteria provided, single submitter. Criteria: Ambry Variant Classification Scheme 2023. Collection method: clinical testing. Allele origin: germline.
Comment: The p.V581A variant (also known as c.1742T>C), located in coding exon 13 of the PTCH1 gene, results from a T to C substitution at nucleotide position 1742. The valine at codon 581 is replaced by alanine, an amino acid with similar properties. This amino acid position is highly conserved in available vertebrate species. In addition, this alteration is predicted to be deleterious by in silico analysis. Since supporting evidence is limited at this time, the clinical significance of this alteration remains unclear.